The following is an entry in ClinVar:

NM_198904.4(GABRG2):c.631+1254C>T

Gene: GABRG2 (gamma-aminobutyric acid type A receptor subunit gamma2; plus strand). Cytogenetic location: 5q34.
Variant type: single nucleotide variant.
Coding change: c.631+1254C>T on transcript NM_198904.4 (MANE Select); 1254 bases into the intron after coding-DNA position 631, C replaced by T.
Molecular consequence: intron variant. On other transcripts: nonsense (2).
Genome position (GRCh38, 1-based): chr5:162,102,571, C>T. VCF-style: chr5-162102571-C-T. GRCh37 (hg19) VCF-style: chr5-161529577-C-T.
Other names: c.631+1254C>T (NM_000816.3, NM_001375344.1, NM_001375340.1 and 2 more transcripts); c.649C>T, p.Gln217Ter (NM_001375343.1, NM_198903.2); c.346+1254C>T (NM_001375349.1); c.211+1254C>T (NM_001375350.1, NM_001375348.1); c.622+1254C>T (NM_001375339.1); c.565+1254C>T (NM_001375346.1, NM_001375345.1); c.544+1254C>T (NM_001375347.1); short protein forms Q217*.
Identifiers: ClinVar variation 423880 (VCV000423880.41), dbSNP rs886645578, ClinGen allele CA16618159.

ClinVar aggregate classification (germline): Uncertain significance. Review status: criteria provided, multiple submitters, no conflicts (2 of 4 stars). 3 submissions from 3 submitters: Uncertain significance (2). 1 of the submissions does not count toward it. Last evaluated 2021-03-01.

Conditions:
Familial sleep-related hypermotor epilepsy. Also called: Autosomal Dominant Sleep-Related Hypermotor (Hyperkinetic) Epilepsy. Identifiers: Orphanet 98784, MedGen C3696898, MONDO:0000030.

Allele frequency attached by ClinVar (database versions not stated): gnomAD 0.00001; gnomAD exomes 0.00001 and 0.00005; TOPMed 0.00003.
gnomAD v4.1: 6 of 454,082 alleles (0.0013%); highest among the groups gnomAD compares: East Asian, 0.035%; no homozygotes.

Submissions (3):

CeGaT Center for Human Genetics Tuebingen
Classification: Uncertain significance. Last evaluated: 2021-03-01. Review status: criteria provided, single submitter. Criteria: CeGaT Center For Human Genetics Tuebingen Variant Classification Criteria Version 2. Collection method: clinical testing. Allele origin: germline. Affected: yes. Observed: 1 variant allele.

GeneDx
Classification: Uncertain significance. Last evaluated: 2017-03-03. Review status: criteria provided, single submitter. Criteria: GeneDx Variant Classification (06012015). Collection method: clinical testing. Allele origin: germline. Affected: yes.
Comment: The Q217X variant in the GABRG2 gene has not been reported previously as a pathogenic variant nor as a benign variant, to our knowledge. This nonsense variant is predicted to cause loss of normal protein function either through protein truncation or nonsense-mediated mRNA decay. However, the Q217X variant alters a position in an alternate transcript of the gene (NM_198903.2), and pathogenic variants in this transcript have not been previously reported in individuals with seizures. Adequate data is not available in large population cohorts to assess the frequency of this variant in publicly available databases; however, this variant has not been detected at a significant frequency in presumably healthy individuals tested at GeneDx. We interpret Q217X as a variant of uncertain significance.

Wen Jiang Lab, Comprehensive Epilepsy Center, Xijing Hospital
Classification: Likely pathogenic for Familial sleep-related hypermotor epilepsy. Last evaluated: 2022-02-09. Review status: no assertion criteria provided. Collection method: clinical testing, in vivo. Allele origin: paternal, not applicable. Inheritance: Autosomal dominant inheritance. Affected: yes. Observed: 1 variant allele, 1 heterozygote. Functional consequence: Decreased function. Not counted in ClinVar's aggregate classification.